The following is an entry in ClinVar:

ClinVar aggregate classification (germline): Uncertain significance (1 of 4 stars; one submission).

Conditions:
Hereditary cancer-predisposing syndrome. Also called: Neoplastic Syndromes, Hereditary; Tumor predisposition; Hereditary neoplastic syndrome; Hereditary Cancer Syndrome. Identifiers: Orphanet 140162, MedGen C0027672, MeSH D009386, MONDO:0015356.

Submission:

Ambry Genetics
Classification: Uncertain significance for Hereditary cancer-predisposing syndrome. Last evaluated: 2022-11-04. Review status: criteria provided, single submitter. Criteria: Ambry Variant Classification Scheme 2023. Collection method: clinical testing. Allele origin: germline.
Comment: The p.G28D variant (also known as c.83G>A), located in coding exon 1 of the MEN1 gene, results from a G to A substitution at nucleotide position 83. The glycine at codon 28 is replaced by aspartic acid, an amino acid with similar properties. This amino acid position is conserved. In addition, the in silico prediction for this alteration is inconclusive. Since supporting evidence is limited at this time, the clinical significance of this alteration remains unclear.

NM_001370259.2(MEN1):c.83G>A (p.Gly28Asp)

Gene: MEN1 (menin 1; minus strand). Cytogenetic location: 11q13.1.
Variant type: single nucleotide variant.
Coding change: c.83G>A on transcript NM_001370259.2 (MANE Select); coding-DNA position 83, G replaced by A.
Protein change: p.Gly28Asp; replaces glycine 28 with aspartic acid.
Molecular consequence: missense variant. On other transcripts: non-coding transcript variant (4).
Genome position (GRCh38, 1-based): chr11:64,810,027, C>T on the plus strand (G>A on the coding strand, the complement: MEN1 is on the minus strand). VCF-style: chr11-64810027-C-T. GRCh37 (hg19) VCF-style: chr11-64577499-C-T.
Other names: c.83G>A, p.Gly28Asp (NM_000244.4, NM_001370251.2, NM_001370260.2 and 20 more transcripts); short protein forms G28D.
Identifiers: ClinVar variation 2450211 (VCV002450211.2), dbSNP rs1466941669, ClinGen allele CA381188032.
Genomic context (GRCh38, chr11:64,810,027, plus strand): 5'-AGAAAATGCTCCACGAAGCCCAGCACCAAGGAAAGGAGCACCAGGTCCGGCTCCTCTCGG[C>T]CCAGCTCGGCAGCAAACAGGCGCACCACGTCGTCGATGGAGCGCAGCGGGAACAGCGTCT-3'
Protein context (NP_001357188.2, residues 18-38): DVVRLFAAEL[Gly28Asp]REEPDLVLLS